The following is an entry in ClinVar:

ClinVar aggregate classification (germline): Likely benign. Review status: criteria provided, multiple submitters, no conflicts (2 of 4 stars). 4 submissions from 4 submitters: Likely benign (4). Last evaluated 2025-11-17.

Conditions:
Hereditary cancer-predisposing syndrome. Also called: Hereditary Cancer Syndrome; Hereditary neoplastic syndrome; Neoplastic Syndromes, Hereditary; Tumor predisposition. Identifiers: Orphanet 140162, MedGen C0027672, MeSH D009386, MONDO:0015356.
Familial adenomatous polyposis 1 (FAP1). Also called: FAMILIAL ADENOMATOUS POLYPOSIS 1, ATTENUATED; POLYPOSIS, ADENOMATOUS INTESTINAL. Identifiers: MedGen C2713442, MONDO:0021056, OMIM 175100. Disease mechanism: loss of function.

Allele frequency attached by ClinVar (database versions not stated): gnomAD exomes below 0.00001; gnomAD 0.00001; TOPMed 0.00002.
gnomAD v4.1: 6 of 1,606,428 alleles (0.00037%); highest among the groups gnomAD compares: African/African-American, 0.008%; no homozygotes.

Submissions (4):

Labcorp Genetics (formerly Invitae), Labcorp
Classification: Likely benign for Familial adenomatous polyposis 1. Last evaluated: 2025-11-17. Review status: criteria provided, single submitter. Criteria: Invitae Variant Classification Sherloc (09022015). Collection method: clinical testing. Allele origin: germline.

Myriad Genetics, Inc.
Classification: Likely benign for Familial adenomatous polyposis 1. Last evaluated: 2024-02-26. Review status: criteria provided, single submitter. Criteria: Myriad Autosomal Dominant, Autosomal Recessive and X-Linked Classification Criteria (2023). Collection method: clinical testing. Allele origin: unknown.
Comment: This variant is considered likely benign. This variant is intronic and is not expected to impact mRNA splicing.

Color Diagnostics, LLC DBA Color Health
Classification: Likely benign for Hereditary cancer-predisposing syndrome. Last evaluated: 2019-06-18. Review status: criteria provided, single submitter. Criteria: ACMG Guidelines, 2015. Collection method: clinical testing. Allele origin: germline.

GeneDx
Classification: Likely benign. Last evaluated: 2016-05-20. Review status: criteria provided, single submitter. Criteria: GeneDx Variant Classification (06012015). Collection method: clinical testing. Allele origin: germline. Affected: yes.
Comment: This variant is considered likely benign or benign based on one or more of the following criteria: it is a conservative change, it occurs at a poorly conserved position in the protein, it is predicted to be benign by multiple in silico algorithms, and/or has population frequency not consistent with disease.

NM_000038.6(APC):c.730-19G>A

Gene: APC (APC regulator of Wnt signaling pathway; plus strand). Cytogenetic location: 5q22.2.
Variant type: single nucleotide variant.
Coding change: c.730-19G>A on transcript NM_000038.6 (MANE Select); 19 bases into the intron before coding-DNA position 730, G replaced by A.
Molecular consequence: intron variant.
Genome position (GRCh38, 1-based): chr5:112,801,260, G>A. VCF-style: chr5-112801260-G-A. GRCh37 (hg19) VCF-style: chr5-112136957-G-A.
Other names: c.760-19G>A (NM_001354897.2, NM_001354902.2); c.730-19G>A (NM_001127510.3, NM_001354896.2, NM_001354895.2 and 1 more transcripts); c.-306-19G>A (NM_001354906.2); c.676-19G>A (NM_001127511.3); c.655-19G>A (NM_001354898.2, NM_001354904.2); c.646-19G>A (NM_001354899.2); c.553-19G>A (NM_001354900.2, NM_001354901.2, NM_001354905.2).
Identifiers: ClinVar variation 386423 (VCV000386423.9), dbSNP rs966309914, ClinGen allele CA16604649.